The following is an entry in ClinVar:

ClinVar aggregate classification (germline): Uncertain significance (1 of 4 stars; one submission).

Submission:

GeneDx
Classification: Uncertain significance. Last evaluated: 2023-05-17. Review status: criteria provided, single submitter. Criteria: GeneDx Variant Classification Process June 2021. Collection method: clinical testing. Allele origin: germline. Affected: yes.
Comment: Has not been previously published as pathogenic or benign to our knowledge; Not observed at significant frequency in large population cohorts (gnomAD); In silico analysis supports that this missense variant has a deleterious effect on protein structure/function

NM_001001331.4(ATP2B2):c.3017A>G (p.Gln1006Arg)

Gene: ATP2B2 (ATPase plasma membrane Ca2+ transporting 2; minus strand). Cytogenetic location: 3p25.3.
Variant type: single nucleotide variant.
Coding change: c.3017A>G on transcript NM_001001331.4 (MANE Select); coding-DNA position 3017, A replaced by G.
Protein change: p.Gln1006Arg; replaces glutamine 1006 with arginine.
Molecular consequence: missense variant.
Genome position (GRCh38, 1-based): chr3:10,340,605, T>C on the plus strand (A>G on the coding strand, the complement: ATP2B2 is on the minus strand). VCF-style: chr3-10340605-T-C. GRCh37 (hg19) VCF-style: chr3-10382289-T-C.
Other names: c.2882A>G, p.Gln961Arg (NM_001330611.3, NM_001353564.1, NM_001363862.1 and 1 more transcripts); short protein forms Q1006R, Q961R.
Identifiers: ClinVar variation 2662303 (VCV002662303.1), dbSNP rs2470126561, ClinGen allele CA351776440.